The following is an entry in ClinVar:

ClinVar aggregate classification (germline): Uncertain significance (1 of 4 stars; one submission).

Conditions:
Familial melanoma. Also called: Hereditary melanoma; Hereditary cutaneous melanoma. Identifiers: Orphanet 618, MedGen C1512419, MONDO:0018961.

Submission:

Labcorp Genetics (formerly Invitae), Labcorp
Classification: Uncertain significance for Familial melanoma. Last evaluated: 2022-05-17. Review status: criteria provided, single submitter. Criteria: Invitae Variant Classification Sherloc (09022015). Collection method: clinical testing. Allele origin: germline.
Comment: A gross deletion of the genomic region encompassing the full coding sequence of the CDK4 gene has been identified. The current clinical and genetic evidence is not sufficient to establish whether loss-of-function variants in CDK4 cause disease. The boundaries of this event are unknown as they extend beyond the assayed region for this gene and therefore may encompass additional genes. This variant has not been reported in the literature in individuals affected with CDK4-related conditions. In summary, the available evidence is currently insufficient to determine the role of this variant in disease. Therefore, it has been classified as a Variant of Uncertain Significance.

NC_000012.11:g.(?_58142308)_(58145500_?)del

Gene: CDK4 (cyclin dependent kinase 4; minus strand). Cytogenetic location: 12q14.1.
Variant type: Deletion.
Identifiers: ClinVar variation 2422305 (VCV002422305.4).